The following is an entry in ClinVar:

ClinVar aggregate classification (germline): Uncertain significance (1 of 4 stars; one submission).

Submission:

GeneDx
Classification: Uncertain significance. Last evaluated: 2024-10-29. Review status: criteria provided, single submitter. Criteria: GeneDx Variant Classification Process June 2021. Collection method: clinical testing. Allele origin: germline. Affected: yes.
Comment: Not observed at significant frequency in large population cohorts (gnomAD); In silico analysis supports that this missense variant has a deleterious effect on protein structure/function; Has not been previously published as pathogenic or benign to our knowledge

NM_000081.4(LYST):c.815A>G (p.Asp272Gly)

Gene: LYST (lysosomal trafficking regulator; minus strand). Cytogenetic location: 1q42.3.
Variant type: single nucleotide variant.
Coding change: c.815A>G on transcript NM_000081.4 (MANE Select); coding-DNA position 815, A replaced by G.
Protein change: p.Asp272Gly; replaces aspartic acid 272 with glycine.
Molecular consequence: missense variant.
Genome position (GRCh38, 1-based): chr1:235,810,003, T>C on the plus strand (A>G on the coding strand, the complement: LYST is on the minus strand). VCF-style: chr1-235810003-T-C. GRCh37 (hg19) VCF-style: chr1-235973303-T-C.
Other names: c.815A>G, p.Asp272Gly (NM_001301365.1); short protein forms D272G.
Identifiers: ClinVar variation 3897484 (VCV003897484.1).